The following is an entry in ClinVar:

NM_015272.5(RPGRIP1L):c.2262G>A (p.Gly754=)

Gene: RPGRIP1L (RPGRIP1 like; minus strand). Cytogenetic location: 16q12.2.
Variant type: single nucleotide variant.
Coding change: c.2262G>A on transcript NM_015272.5 (MANE Select); coding-DNA position 2262, G replaced by A.
Protein change: p.Gly754=; no amino-acid change (glycine 754 retained).
Molecular consequence: synonymous variant.
Genome position (GRCh38, 1-based): chr16:53,649,006, C>T on the plus strand (G>A on the coding strand, the complement: RPGRIP1L is on the minus strand). VCF-style: chr16-53649006-C-T. GRCh37 (hg19) VCF-style: chr16-53682918-C-T.
Other names: c.2262G>A, p.Gly754= (NM_001127897.4, NM_001308334.3, NM_001330538.2); c.2262G>A (NM_015272.4).
Identifiers: ClinVar variation 1103903 (VCV001103903.12), dbSNP rs775616241, ClinGen allele CA8057591.
Genomic context (GRCh38, chr16:53,649,006, plus strand): 5'-AAAGCCAAATGAGCTTACCGACTGCATATGCTCTGGCCCCTTAAAATTTGATGTTATATA[C>T]CCCAAAGCCTTTGCCCTTTCTCGATAAAGTCGAATTGCTTGATCCATGGGAACTCTTAAT-3'
Protein context (NP_056087.2, residues 744-764): RLYRERAKAL[Gly754=]YITSNFKGPE

ClinVar aggregate classification (germline): Likely benign. Review status: criteria provided, multiple submitters, no conflicts (2 of 4 stars). 3 submissions from 3 submitters: Likely benign (2). 1 of the submissions does not count toward it. Last evaluated 2025-10-15.

Conditions:
RPGRIP1L-related disorder. Also called: RPGRIP1L-related condition; RPGRIP1L-related disorders. Identifiers: MedGen CN239416.
Joubert syndrome. Also called: JOUBERT-BOLTSHAUSER SYNDROME; Familial aplasia of the vermis. Identifiers: Orphanet 475, MedGen C5979921, MONDO:0018772.
Meckel-Gruber syndrome. Also called: DYSENCEPHALIA SPLANCHNOCYSTICA; GRUBER SYNDROME; Dysencephalia splachnocystica. Identifiers: Orphanet 564, MedGen C0265215, MONDO:0018921.

Allele frequency attached by ClinVar (database versions not stated): gnomAD exomes 0.00003; ExAC 0.00006.
gnomAD v4.1: 60 of 1,613,854 alleles (0.0037%); highest among the groups gnomAD compares: Middle Eastern, 0.016%; no homozygotes.

Submissions (3):

Labcorp Genetics (formerly Invitae), Labcorp
Classification: Likely benign for Joubert syndrome; Meckel-Gruber syndrome. Last evaluated: 2025-10-15. Review status: criteria provided, single submitter. Criteria: Invitae Variant Classification Sherloc (09022015). Collection method: clinical testing. Allele origin: germline.

Blueprint Genetics
Classification: Likely benign. Last evaluated: 2022-03-07. Review status: criteria provided, single submitter. Criteria: ACMG Guidelines, 2015. Collection method: clinical testing. Allele origin: germline.

PreventionGenetics, part of Exact Sciences
Classification: Likely benign for RPGRIP1L-related condition. Last evaluated: 2023-06-01. Review status: no assertion criteria provided. Collection method: clinical testing. Allele origin: germline. Not counted in ClinVar's aggregate classification.
Comment: This variant is classified as likely benign based on ACMG/AMP sequence variant interpretation guidelines (Richards et al. 2015 PMID: 25741868, with internal and published modifications).